The following is an entry in ClinVar:

NM_001369.3(DNAH5):c.1373del (p.Asn458fs)

Gene: DNAH5 (dynein axonemal heavy chain 5; minus strand). Cytogenetic location: 5p15.2.
Variant type: Deletion.
Coding change: c.1373del on transcript NM_001369.3 (MANE Select); coding-DNA position 1373, one base deleted (A; older notation c.1373delA).
Protein change: p.Asn458fs; shifts the reading frame from asparagine 458.
Molecular consequence: frameshift variant.
Genome position (GRCh38, 1-based): chr5:13,913,906, T deleted on the plus strand (A on the coding strand, the reverse complement: DNAH5 is on the minus strand); the first of 3 consecutive T bases (chr5:13,913,906-13,913,908); deleting any one gives the same sequence. VCF-style (leftmost placement, unchanged base first): chr5-13913905-AT-A. GRCh37 (hg19) VCF-style: chr5-13914014-AT-A.
Other names: short protein forms N458fs.
Identifiers: ClinVar variation 964431 (VCV000964431.8), dbSNP rs1776339162, ClinGen allele CA1139658750.

ClinVar aggregate classification (germline): Pathogenic (1 of 4 stars; one submission).

Conditions:
Primary ciliary dyskinesia. Also called: Ciliary dyskinesia. Identifiers: Orphanet 244, MedGen C0008780, MONDO:0016575, HP:0012265.

Submission:

Labcorp Genetics (formerly Invitae), Labcorp
Classification: Pathogenic for Primary ciliary dyskinesia. Last evaluated: 2022-05-25. Review status: criteria provided, single submitter. Criteria: Invitae Variant Classification Sherloc (09022015). Collection method: clinical testing. Allele origin: germline.
Comment: ClinVar contains an entry for this variant (Variation ID: 964431). For these reasons, this variant has been classified as Pathogenic. This variant has not been reported in the literature in individuals affected with DNAH5-related conditions. This variant is not present in population databases (gnomAD no frequency). This sequence change creates a premature translational stop signal (p.Asn458Metfs*26) in the DNAH5 gene. It is expected to result in an absent or disrupted protein product. Loss-of-function variants in DNAH5 are known to be pathogenic (PMID: 11788826, 16627867).

Literature cited by the submitters: PubMed 11788826; PubMed 16627867.